The following is an entry in ClinVar:

ClinVar aggregate classification (germline): Benign/Likely benign. Review status: criteria provided, multiple submitters, no conflicts (2 of 4 stars). 4 submissions from 4 submitters: Benign (3); Likely benign (1). Last evaluated 2026-02-03.

Conditions:
Hypertrophic cardiomyopathy. Also called: HYPERTROPHIC MYOCARDIOPATHY. Identifiers: Orphanet 217569, MedGen C0007194, MeSH D002312, MONDO:0005045, HP:0001639.

Allele frequency attached by ClinVar (database versions not stated): ESP Exome Variant Server 0.00058; gnomAD exomes 0.00189 and 0.00545; gnomAD 0.00222 and 0.00299; TOPMed 0.00309; ExAC 0.00692; 1000 Genomes Project 0.01538; 1000 Genomes Project 30x 0.01546.
gnomAD v4.1: 3,406 of 1,608,232 alleles (0.21%); highest among the groups gnomAD compares: East Asian, 5.1%; 86 homozygotes.

Submissions (4):

Labcorp Genetics (formerly Invitae), Labcorp
Classification: Benign for Hypertrophic cardiomyopathy. Last evaluated: 2026-02-03. Review status: criteria provided, single submitter. Criteria: Invitae Variant Classification Sherloc (09022015). Collection method: clinical testing. Allele origin: germline.

Ambry Genetics
Classification: Likely benign. Last evaluated: 2022-05-17. Review status: criteria provided, single submitter. Criteria: Ambry Variant Classification Scheme 2023. Collection method: clinical testing. Allele origin: germline.

Laboratory for Molecular Medicine, Mass General Brigham Personalized Medicine
Classification: Benign. Last evaluated: 2014-11-24. Review status: criteria provided, single submitter. Criteria: LMM Criteria. Collection method: clinical testing. Allele origin: germline. Observed: 2 variant alleles.
Comment: Pro934Pro in exon 19 of MYOM1: This variant is not expected to have clinical sig nificance because it does not alter an amino acid residue and is not located wit hin the splice consensus sequence. It has been identified in 11.0% (22/200) of H an Chinese chromosomes from a broad population by the 1000 Genomes Project (dbSNP rs79397275).

Breakthrough Genomics
Classification: Benign. Review status: criteria provided, single submitter. Criteria: ACMG Guidelines, 2015. Collection method: not provided. Allele origin: germline. Inheritance: Unknown mechanism. Affected: yes.

NM_003803.4(MYOM1):c.2802A>G (p.Pro934=)

Gene: MYOM1 (myomesin 1; minus strand). Cytogenetic location: 18p11.31.
Variant type: single nucleotide variant.
Coding change: c.2802A>G on transcript NM_003803.4 (MANE Select); coding-DNA position 2802, A replaced by G.
Protein change: p.Pro934=; no amino-acid change (proline 934 retained).
Molecular consequence: synonymous variant.
Genome position (GRCh38, 1-based): chr18:3,126,890, T>C on the plus strand (A>G on the coding strand, the complement: MYOM1 is on the minus strand). VCF-style: chr18-3126890-T-C. GRCh37 (hg19) VCF-style: chr18-3126888-T-C.
Other names: c.2514A>G, p.Pro838= (NM_019856.2).
Identifiers: ClinVar variation 416052 (VCV000416052.21), dbSNP rs79397275, ClinGen allele CA8874516.